The following is an entry in ClinVar:

ClinVar aggregate classification (germline): Uncertain significance (1 of 4 stars; one submission).

Allele frequency attached by ClinVar (database versions not stated): gnomAD exomes below 0.00001; ExAC 0.00001.
gnomAD v4.1: 6 of 1,614,046 alleles (0.00037%); highest among the groups gnomAD compares: Non-Finnish European, 0.00051%; no homozygotes.

Submission:

Labcorp Genetics (formerly Invitae), Labcorp
Classification: Uncertain significance. Last evaluated: 2023-07-10. Review status: criteria provided, single submitter. Criteria: Invitae Variant Classification Sherloc (09022015). Collection method: clinical testing. Allele origin: germline.
Comment: This sequence change replaces valine, which is neutral and non-polar, with leucine, which is neutral and non-polar, at codon 1368 of the KMT2A protein (p.Val1368Leu). This variant is present in population databases (rs782465551, gnomAD 0.0009%). This variant has not been reported in the literature in individuals affected with KMT2A-related conditions. Advanced modeling of protein sequence and biophysical properties (such as structural, functional, and spatial information, amino acid conservation, physicochemical variation, residue mobility, and thermodynamic stability) performed at Invitae indicates that this missense variant is not expected to disrupt KMT2A protein function. In summary, the available evidence is currently insufficient to determine the role of this variant in disease. Therefore, it has been classified as a Variant of Uncertain Significance.

NM_001197104.2(KMT2A):c.4102G>C (p.Val1368Leu)

Gene: KMT2A (lysine methyltransferase 2A; plus strand). Cytogenetic location: 11q23.3.
Variant type: single nucleotide variant.
Coding change: c.4102G>C on transcript NM_001197104.2 (MANE Select); coding-DNA position 4102, G replaced by C.
Protein change: p.Val1368Leu; replaces valine 1368 with leucine.
Molecular consequence: missense variant.
Genome position (GRCh38, 1-based): chr11:118,484,198, G>C. VCF-style: chr11-118484198-G-C. GRCh37 (hg19) VCF-style: chr11-118354913-G-C.
Other names: c.4201G>C, p.Val1401Leu (NM_001412597.1); c.4102G>C, p.Val1368Leu (NM_005933.4); short protein forms V1368L, V1401L.
Identifiers: ClinVar variation 2800874 (VCV002800874.3), dbSNP rs782465551, ClinGen allele CA6303788.
Genomic context (GRCh38, chr11:118,484,198, plus strand): 5'-AAATAGGGTGTGATTTTGTTCTATATTCATCTTTTGTCTCCTTAGGAAAAACCACCTCCG[G>C]TCAATAAGCAGGAGAATGCAGGCACTTTGAACATCCTCAGCACTCTCTCCAATGGCAATA-3'
Protein context (NP_001184033.1, residues 1358-1378): KPKEKEKPPP[Val1368Leu]NKQENAGTLN